The following is an entry in ClinVar:

ClinVar aggregate classification (germline): Uncertain significance. Review status: criteria provided, multiple submitters, no conflicts (2 of 4 stars). 5 submissions from 5 submitters: Uncertain significance (4). 1 of the submissions does not count toward it. Last evaluated 2025-08-19.

Conditions:
Inborn genetic diseases. Identifiers: MedGen C0950123, MeSH D030342.
Late-infantile neuronal ceroid lipofuscinosis. Also called: Jansky-Bielschowsky disease. Identifiers: MedGen C0022340, MONDO:0015674.
Neuronal ceroid lipofuscinosis 7 (CLN7). Also called: MFSD8-Related Neuronal Ceroid-Lipofuscinosis. Identifiers: Orphanet 168491, Orphanet 228366, MedGen C1838571, MONDO:0012588, OMIM 610951.

Allele frequency attached by ClinVar (database versions not stated): TOPMed 0.00008; ESP Exome Variant Server 0.00015.
gnomAD v4.1: 145 of 1,611,906 alleles (0.009%); highest among the groups gnomAD compares: Non-Finnish European, 0.011%; no homozygotes.

Submissions (5):

GeneDx
Classification: Uncertain significance. Last evaluated: 2025-08-19. Review status: criteria provided, single submitter. Criteria: GeneDx Variant Classification Process June 2021. Collection method: clinical testing. Allele origin: germline. Affected: yes.
Comment: Not observed at significant frequency in large population cohorts (gnomAD); In silico analysis suggests that this missense variant does not alter protein structure/function; Has not been previously published as pathogenic or benign to our knowledge

Ambry Genetics
Classification: Uncertain significance for Inborn genetic diseases. Last evaluated: 2025-07-12. Review status: criteria provided, single submitter. Criteria: Ambry Variant Classification Scheme 2023. Collection method: clinical testing. Allele origin: germline.

Blueprint Genetics
Classification: Uncertain significance. Last evaluated: 2023-10-18. Review status: criteria provided, single submitter. Criteria: ACMG Guidelines, 2015. Collection method: clinical testing. Allele origin: germline.

Labcorp Genetics (formerly Invitae), Labcorp
Classification: Uncertain significance for Neuronal ceroid lipofuscinosis 7. Last evaluated: 2022-08-23. Review status: criteria provided, single submitter. Criteria: Invitae Variant Classification Sherloc (09022015). Collection method: clinical testing. Allele origin: germline.
Comment: This sequence change replaces isoleucine, which is neutral and non-polar, with valine, which is neutral and non-polar, at codon 39 of the MFSD8 protein (p.Ile39Val). This variant is present in population databases (rs201739608, gnomAD 0.007%). This variant has not been reported in the literature in individuals affected with MFSD8-related conditions. ClinVar contains an entry for this variant (Variation ID: 431874). Algorithms developed to predict the effect of missense changes on protein structure and function output the following: SIFT: "Tolerated"; PolyPhen-2: "Benign"; Align-GVGD: "Class C0". The valine amino acid residue is found in multiple mammalian species, which suggests that this missense change does not adversely affect protein function. In summary, the available evidence is currently insufficient to determine the role of this variant in disease. Therefore, it has been classified as a Variant of Uncertain Significance.

Natera, Inc.
Classification: Uncertain significance for Late-infantile neuronal ceroid lipofuscinosis. Last evaluated: 2019-11-11. Review status: no assertion criteria provided. Collection method: clinical testing. Allele origin: germline. Not counted in ClinVar's aggregate classification.

NM_001371596.2(MFSD8):c.115A>G (p.Ile39Val)

Gene: MFSD8 (major facilitator superfamily domain containing 8; minus strand). Cytogenetic location: 4q28.2.
Variant type: single nucleotide variant.
Coding change: c.115A>G on transcript NM_001371596.2 (MANE Select); coding-DNA position 115, A replaced by G.
Protein change: p.Ile39Val; replaces isoleucine 39 with valine.
Molecular consequence: missense variant. On other transcripts: 5 prime UTR variant (1).
Genome position (GRCh38, 1-based): chr4:127,957,540, T>C on the plus strand (A>G on the coding strand, the complement: MFSD8 is on the minus strand). VCF-style: chr4-127957540-T-C. GRCh37 (hg19) VCF-style: chr4-128878695-T-C.
Other names: c.115A>G, p.Ile39Val (NM_001363520.3, NM_001363521.3, NM_001371591.2 and 5 more transcripts); c.-21A>G (NM_001371590.2, NM_001371595.1, NM_001410765.1); short protein forms I39V.
Identifiers: ClinVar variation 431874 (VCV000431874.13), dbSNP rs201739608, ClinGen allele CA3077571.